The following is an entry in ClinVar:

ClinVar aggregate classification (germline): Uncertain significance (1 of 4 stars; one submission).

Allele frequency attached by ClinVar (database versions not stated): TOPMed 0.00002.
gnomAD v4.1: 28 of 1,613,784 alleles (0.0017%); highest among the groups gnomAD compares: Admixed American, 0.0033%; no homozygotes.

Submission:

Labcorp Genetics (formerly Invitae), Labcorp
Classification: Uncertain significance. Last evaluated: 2022-07-25. Review status: criteria provided, single submitter. Criteria: Invitae Variant Classification Sherloc (09022015). Collection method: clinical testing. Allele origin: germline.
Comment: This sequence change replaces arginine, which is basic and polar, with serine, which is neutral and polar, at codon 665 of the GGCX protein (p.Arg665Ser). In summary, the available evidence is currently insufficient to determine the role of this variant in disease. Therefore, it has been classified as a Variant of Uncertain Significance. Algorithms developed to predict the effect of missense changes on protein structure and function are either unavailable or do not agree on the potential impact of this missense change (SIFT: "Deleterious"; PolyPhen-2: "Benign"; Align-GVGD: "Class C0"). This variant has not been reported in the literature in individuals affected with GGCX-related conditions. This variant is present in population databases (rs771834989, gnomAD 0.002%).

NM_000821.7(GGCX):c.1995G>T (p.Arg665Ser)

Gene: GGCX (gamma-glutamyl carboxylase; minus strand). Cytogenetic location: 2p11.2.
Variant type: single nucleotide variant.
Coding change: c.1995G>T on transcript NM_000821.7 (MANE Select); coding-DNA position 1995, G replaced by T.
Protein change: p.Arg665Ser; replaces arginine 665 with serine.
Molecular consequence: missense variant.
Genome position (GRCh38, 1-based): chr2:85,550,644, C>A on the plus strand (G>T on the coding strand, the complement: GGCX is on the minus strand). VCF-style: chr2-85550644-C-A. GRCh37 (hg19) VCF-style: chr2-85777767-C-A.
Other names: c.1824G>T, p.Arg608Ser (NM_001142269.4); short protein forms R665S, R608S.
Identifiers: ClinVar variation 2084451 (VCV002084451.2), dbSNP rs771834989, ClinGen allele CA51735559.
Genomic context (GRCh38, chr2:85,550,644, plus strand): 5'-CAAGAAGCGGAAGAATCGCTCATGGAAAGGAGTATTTCGCCGGCGTTCAATCTCCTGGAG[C>A]CTTTGTTGGCGTCTAAGAAAGGTCTGAACCAGAGGTGTTGGCTCAGGGCCCCCTTTTACT-3'
Protein context (NP_000812.2, residues 655-675): LVQTFLRRQQ[Arg665Ser]LQEIERRRNT